The following is an entry in ClinVar:

NM_005548.3(KARS1):c.1480G>C (p.Glu494Gln)

Genes: KARS1 (lysyl-tRNA synthetase 1; minus strand), LOC126862402 (CDK7 strongly-dependent group 2 enhancer GRCh37_chr16:75663368-75664567; plus strand). Cytogenetic location: 16q23.1.
Variant type: single nucleotide variant.
Coding change: c.1480G>C on transcript NM_005548.3 (MANE Select); coding-DNA position 1480, G replaced by C.
Protein change: p.Glu494Gln; replaces glutamic acid 494 with glutamine.
Molecular consequence: missense variant.
Genome position (GRCh38, 1-based): chr16:75,629,486, C>G on the plus strand (G>C on the coding strand, the complement: KARS1 is on the minus strand). VCF-style: chr16-75629486-C-G. GRCh37 (hg19) VCF-style: chr16-75663384-C-G.
Other names: c.1564G>C, p.Glu522Gln (NM_001130089.2); c.1012G>C, p.Glu338Gln (NM_001378148.1); short protein forms E494Q, E522Q, E338Q.
Identifiers: ClinVar variation 2118918 (VCV002118918.4), dbSNP rs2507551072, ClinGen allele CA396810760.
Genomic context (GRCh38, chr16:75,629,486, plus strand): 5'-CTTCAAAAAGCTGCCGCTGCCGCATGGGATCATTCAGCTCAGTATACGCATTGCATATCT[C>G]TTTCTTCATGACAAACAGCTCAAAGCGCTCAGTCAGACCCTCTTTAGAGCGGTGCCTAGG-3'
Protein context (NP_005539.1, residues 484-504): ERFELFVMKK[Glu494Gln]ICNAYTELND

ClinVar aggregate classification (germline): Uncertain significance (1 of 4 stars; one submission).

Submission:

Labcorp Genetics (formerly Invitae), Labcorp
Classification: Uncertain significance. Last evaluated: 2022-04-09. Review status: criteria provided, single submitter. Criteria: Invitae Variant Classification Sherloc (09022015). Collection method: clinical testing. Allele origin: germline.
Comment: In summary, the available evidence is currently insufficient to determine the role of this variant in disease. Therefore, it has been classified as a Variant of Uncertain Significance. Algorithms developed to predict the effect of missense changes on protein structure and function (SIFT, PolyPhen-2, Align-GVGD) all suggest that this variant is likely to be disruptive. This variant has not been reported in the literature in individuals affected with KARS-related conditions. This variant is not present in population databases (gnomAD no frequency). This sequence change replaces glutamic acid, which is acidic and polar, with glutamine, which is neutral and polar, at codon 522 of the KARS protein (p.Glu522Gln).